The following is an entry in ClinVar:

ClinVar aggregate classification (germline): Uncertain significance (0 of 4 stars; one submission).

Conditions:
PHIP-related disorder. Also called: PHIP-related condition; PHIP-related disorders.

gnomAD v4.1: 1 of 1,613,956 alleles (0.000062%); highest among the groups gnomAD compares: Admixed American, 0.0017%; no homozygotes.

Submission:

PreventionGenetics, part of Exact Sciences
Classification: Uncertain significance for PHIP-related condition. Last evaluated: 2024-02-02. Review status: no assertion criteria provided. Collection method: clinical testing. Allele origin: germline.
Comment: The PHIP c.5120A>C variant is predicted to result in the amino acid substitution p.Gln1707Pro. To our knowledge, this variant has not been reported in the literature or in a large population database, indicating this variant is rare. At this time, the clinical significance of this variant is uncertain due to the absence of conclusive functional and genetic evidence.

NM_017934.7(PHIP):c.5120A>C (p.Gln1707Pro)

Genes: IRAK1BP1 (interleukin 1 receptor associated kinase 1 binding protein 1; plus strand), PHIP (PHIP subunit of CUL4-Ring ligase complex; minus strand). Cytogenetic location: 6q14.1.
Variant type: single nucleotide variant.
Coding change: c.5120A>C on transcript NM_017934.7 (MANE Select); coding-DNA position 5120, A replaced by C.
Protein change: p.Gln1707Pro; replaces glutamine 1707 with proline.
Molecular consequence: missense variant.
Genome position (GRCh38, 1-based): chr6:78,941,039, T>G on the plus strand (A>C on the coding strand, the complement: PHIP is on the minus strand). VCF-style: chr6-78941039-T-G. GRCh37 (hg19) VCF-style: chr6-79650756-T-G.
Other names: short protein forms Q1707P.
Identifiers: ClinVar variation 3348892 (VCV003348892.1).